The following is an entry in ClinVar:

ClinVar aggregate classification (germline): Uncertain significance. Review status: criteria provided, multiple submitters, no conflicts (2 of 4 stars). 2 submissions from 2 submitters: Uncertain significance (2). Last evaluated 2025-06-01.

Conditions:
Pelizaeus-Merzbacher disease. Also called: LEUKODYSTROPHY, HYPOMYELINATING, 1; Pelizeaus-Merzbacher spectrum disorder; Sudanophilic leukodystrophy; Pelizaeus-Merzbacher spectrum disorder; Pelizaeus-Merzbacher Disease (PMD). Identifiers: Orphanet 702, MedGen C0205711, MONDO:0010714, OMIM 312080, HP:0003269.

Submissions (2):

CeGaT Center for Human Genetics Tuebingen
Classification: Uncertain significance. Last evaluated: 2025-06-01. Review status: criteria provided, single submitter. Criteria: CeGaT Center For Human Genetics Tuebingen Variant Classification Criteria Version 2. Collection method: clinical testing. Allele origin: germline. Affected: yes. Observed: 1 variant allele.
Comment: PLP1: PM2, PP3

MVZ Medizinische Genetik Mainz
Classification: Uncertain significance for Pelizaeus-Merzbacher disease. Last evaluated: 2023-03-24. Review status: criteria provided, single submitter. Criteria: UK Practice Guidelines For Variant Classification V4 01 2020. Collection method: clinical testing. Allele origin: germline. Inheritance: X-linked dominant inheritance. Affected: yes. Observed: 1 variant allele.
Comment: ACMG Criteria: PP3_STR,PM2_SUP

NM_000533.5(PLP1):c.286G>A (p.Ala96Thr)

Genes: PLP1 (proteolipid protein 1; plus strand), RAB9B (RAB9B, member RAS oncogene family; minus strand). Cytogenetic location: Xq22.2.
Variant type: single nucleotide variant.
Coding change: c.286G>A on transcript NM_000533.5 (MANE Select); coding-DNA position 286, G replaced by A.
Protein change: p.Ala96Thr; replaces alanine 96 with threonine.
Molecular consequence: missense variant.
Genome position (GRCh38, 1-based): chrX:103,786,559, G>A. VCF-style: chrX-103786559-G-A. GRCh37 (hg19) VCF-style: chrX-103041488-G-A.
Other names: c.286G>A, p.Ala96Thr (NM_001128834.3, NM_199478.3); c.121G>A, p.Ala41Thr (NM_001305004.1); short protein forms A41T, A96T.
Identifiers: ClinVar variation 3236787 (VCV003236787.11), dbSNP rs2522307369.